The following is an entry in ClinVar:

ClinVar aggregate classification (germline): Likely benign (0 of 4 stars; one submission).

Conditions:
RYR1-related disorder. Also called: RYR1-related condition; RYR1-related disorders. Identifiers: MedGen CN239331.

Submission:

PreventionGenetics, part of Exact Sciences
Classification: Likely benign for RYR1-related condition. Last evaluated: 2020-12-31. Review status: no assertion criteria provided. Collection method: clinical testing. Allele origin: germline.
Comment: This variant is classified as likely benign based on ACMG/AMP sequence variant interpretation guidelines (Richards et al. 2015 PMID: 25741868, with internal and published modifications).

NM_000540.3(RYR1):c.6342C>A (p.Pro2114=)

Gene: RYR1 (ryanodine receptor 1; plus strand). Cytogenetic location: 19q13.2.
Variant type: single nucleotide variant.
Coding change: c.6342C>A on transcript NM_000540.3 (MANE Select); coding-DNA position 6342, C replaced by A.
Protein change: p.Pro2114=; no amino-acid change (proline 2114 retained).
Molecular consequence: synonymous variant.
Genome position (GRCh38, 1-based): chr19:38,494,419, C>A. VCF-style: chr19-38494419-C-A. GRCh37 (hg19) VCF-style: chr19-38985059-C-A.
Other names: c.6342C>A, p.Pro2114= (NM_001042723.2).
Identifiers: ClinVar variation 3031408 (VCV003031408.2), dbSNP rs765323533, ClinGen allele CA507242081.